The following is an entry in ClinVar:

NM_001384732.1(CPLANE1):c.1223G>A (p.Arg408Gln)

Gene: CPLANE1 (ciliogenesis and planar polarity effector complex subunit 1; minus strand). Cytogenetic location: 5p13.2.
Variant type: single nucleotide variant.
Coding change: c.1223G>A on transcript NM_001384732.1 (MANE Select); coding-DNA position 1223, G replaced by A.
Protein change: p.Arg408Gln; replaces arginine 408 with glutamine.
Molecular consequence: missense variant.
Genome position (GRCh38, 1-based): chr5:37,227,716, C>T on the plus strand (G>A on the coding strand, the complement: CPLANE1 is on the minus strand). VCF-style: chr5-37227716-C-T. GRCh37 (hg19) VCF-style: chr5-37227818-C-T.
Other names: c.1223G>A, p.Arg408Gln (NM_023073.4); short protein forms R408Q.
Identifiers: ClinVar variation 2107437 (VCV002107437.4), dbSNP rs929327971, ClinGen allele CA117058486.

ClinVar aggregate classification (germline): Uncertain significance (1 of 4 stars; one submission).

Allele frequency attached by ClinVar (database versions not stated): gnomAD 0.00003.

Submission:

Labcorp Genetics (formerly Invitae), Labcorp
Classification: Uncertain significance. Last evaluated: 2024-11-05. Review status: criteria provided, single submitter. Criteria: Invitae Variant Classification Sherloc (09022015). Collection method: clinical testing. Allele origin: germline.
Comment: This sequence change replaces arginine, which is basic and polar, with glutamine, which is neutral and polar, at codon 408 of the CPLANE1 protein (p.Arg408Gln). This variant is present in population databases (no rsID available, gnomAD 0.01%). This variant has not been reported in the literature in individuals affected with CPLANE1-related conditions. ClinVar contains an entry for this variant (Variation ID: 2107437). Invitae Evidence Modeling of protein sequence and biophysical properties (such as structural, functional, and spatial information, amino acid conservation, physicochemical variation, residue mobility, and thermodynamic stability) indicates that this missense variant is not expected to disrupt CPLANE1 protein function with a negative predictive value of 95%. In summary, the available evidence is currently insufficient to determine the role of this variant in disease. Therefore, it has been classified as a Variant of Uncertain Significance.